The following is an entry in ClinVar:

NM_004984.4(KIF5A):c.691G>A (p.Val231Met)

Gene: KIF5A (kinesin family member 5A; plus strand). Cytogenetic location: 12q13.3.
Variant type: single nucleotide variant.
Coding change: c.691G>A on transcript NM_004984.4 (MANE Select); coding-DNA position 691, G replaced by A.
Protein change: p.Val231Met; replaces valine 231 with methionine.
Molecular consequence: missense variant.
Genome position (GRCh38, 1-based): chr12:57,567,595, G>A. VCF-style: chr12-57567595-G-A. GRCh37 (hg19) VCF-style: chr12-57961378-G-A.
Other names: V231M; p.Val231Met; c.424G>A, p.Val142Met (NM_001354705.2); short protein forms V142M.
Identifiers: ClinVar variation 4857354 (VCV004857354.1).

ClinVar aggregate classification (germline): Likely pathogenic (1 of 4 stars; one submission).

Conditions:
Hereditary spastic paraplegia 10 (SPG10). Also called: SPASTIC PARAPLEGIA 10, AUTOSOMAL DOMINANT; SPASTIC PARAPLEGIA 10 WITH OR WITHOUT PERIPHERAL NEUROPATHY; SPASTIC PARAPLEGIA 10 WITH PERIPHERAL NEUROPATHY. Identifiers: Orphanet 100991, MedGen C1858712, MONDO:0011408, OMIM 604187.

Submission:

Clinical Genetics Laboratory, CHA University
Classification: Likely pathogenic for Hereditary spastic paraplegia 10. Last evaluated: 2026-06-23. Review status: criteria provided, single submitter. Criteria: ACMG Guidelines, 2015. Collection method: research. Allele origin: germline. Inheritance: Autosomal dominant inheritance. Affected: yes. Observed: 1 variant allele, 1 heterozygote.
Comment: The KIF5A c.691G>A (p.Val231Met) variant is classified as likely pathogenic according to ACMG/AMP sequence variant interpretation criteria. The variant is located in the KIF5A motor domain (PM1) and has not been observed in the population databases examined, supporting an ultra-rare status (PM2_supporting). Multiple in silico prediction tools support a deleterious effect (PP3). Functional assays showed reduced basal ATPase activity and attenuated microtubule-stimulated ATPase activity compared with wild-type KIF5A, supporting a deleterious effect on kinesin motor activity (PS3_supporting). Taken together, PM1, PM2_supporting, PS3_supporting, PP3, and PP4 support classification of this variant as likely pathogenic.

Literature cited by the submitters: PubMed 12355402; PubMed 32720330.